The following is an entry in ClinVar:

NM_030787.4(CFHR5):c.1229G>A (p.Gly410Glu)

Gene: CFHR5 (complement factor H related 5; plus strand). Cytogenetic location: 1q31.3.
Variant type: single nucleotide variant.
Coding change: c.1229G>A on transcript NM_030787.4 (MANE Select); coding-DNA position 1229, G replaced by A.
Protein change: p.Gly410Glu; replaces glycine 410 with glutamic acid.
Molecular consequence: missense variant.
Genome position (GRCh38, 1-based): chr1:197,002,563, G>A. VCF-style: chr1-197002563-G-A. GRCh37 (hg19) VCF-style: chr1-196971693-G-A.
Other names: short protein forms G410E.
Identifiers: ClinVar variation 2887946 (VCV002887946.4), dbSNP rs550955462, ClinGen allele CA1308005.

ClinVar aggregate classification (germline): Uncertain significance. Review status: criteria provided, multiple submitters, no conflicts (2 of 4 stars). 2 submissions from 2 submitters: Uncertain significance (2). Last evaluated 2025-12-09.

Conditions:
Inborn genetic diseases. Identifiers: MedGen C0950123, MeSH D030342.

Allele frequency attached by ClinVar (database versions not stated): gnomAD exomes below 0.00001; TOPMed below 0.00001; ExAC 0.00001; gnomAD 0.00005.
gnomAD v4.1: 14 of 1,613,444 alleles (0.00087%); highest among the groups gnomAD compares: Admixed American, 0.022%; no homozygotes.

Submissions (2):

Ambry Genetics
Classification: Uncertain significance for Inborn genetic diseases. Last evaluated: 2025-12-09. Review status: criteria provided, single submitter. Criteria: Ambry Variant Classification Scheme 2023. Collection method: clinical testing. Allele origin: germline.

Labcorp Genetics (formerly Invitae), Labcorp
Classification: Uncertain significance. Last evaluated: 2024-11-26. Review status: criteria provided, single submitter. Criteria: Invitae Variant Classification Sherloc (09022015). Collection method: clinical testing. Allele origin: germline.
Comment: This sequence change replaces glycine, which is neutral and non-polar, with glutamic acid, which is acidic and polar, at codon 410 of the CFHR5 protein (p.Gly410Glu). This variant is present in population databases (rs550955462, gnomAD 0.007%). This variant has not been reported in the literature in individuals affected with CFHR5-related conditions. ClinVar contains an entry for this variant (Variation ID: 2887946). Invitae Evidence Modeling of protein sequence and biophysical properties (such as structural, functional, and spatial information, amino acid conservation, physicochemical variation, residue mobility, and thermodynamic stability) indicates that this missense variant is not expected to disrupt CFHR5 protein function with a negative predictive value of 80%. In summary, the available evidence is currently insufficient to determine the role of this variant in disease. Therefore, it has been classified as a Variant of Uncertain Significance.